The following is an entry in ClinVar:

NM_000368.5(TSC1):c.262T>G (p.Ser88Ala)

Gene: TSC1 (TSC complex subunit 1; minus strand). Cytogenetic location: 9q34.13.
Variant type: single nucleotide variant.
Coding change: c.262T>G on transcript NM_000368.5 (MANE Select); coding-DNA position 262, T replaced by G.
Protein change: p.Ser88Ala; replaces serine 88 with alanine.
Molecular consequence: missense variant. On other transcripts: 5 prime UTR variant (1), intron variant (1).
Genome position (GRCh38, 1-based): chr9:132,925,688, A>C on the plus strand (T>G on the coding strand, the complement: TSC1 is on the minus strand). VCF-style: chr9-132925688-A-C. GRCh37 (hg19) VCF-style: chr9-135801075-A-C.
Other names: c.262T>G, p.Ser88Ala (NM_001162426.2, NM_001406592.1, NM_001406593.1 and 16 more transcripts); c.-102T>G (NM_001362177.2, NM_001406617.1, NM_001406618.1 and 5 more transcripts); c.-194T>G (NM_001406614.1, NM_001406616.1, NM_001406624.1); c.-227T>G (NM_001406615.1, NM_001406623.1); c.-616T>G (NM_001406626.1, NM_001406627.1, NM_001406628.1); c.-758T>G (NM_001406629.1); c.-832T>G (NM_001406630.1); c.210+1513T>G (NM_001162427.2); short protein forms S88A.
Identifiers: ClinVar variation 1794040 (VCV001794040.8), dbSNP rs1846816968, ClinGen allele CA375374672.
Genomic context (GRCh38, chr9:132,925,688, plus strand): 5'-AGAGCTTATGCTTCCAAGATGGCTGCAGTCTTATGACATGACCCAGTAACGAGAGGATGG[A>C]TAAACGAGTGGCGGCTTTGCCCACATATTCGTTAATCCTGTCCAAGAGGTGCTGAAAATG-3'
Protein context (NP_000359.1, residues 78-98): EYVGKAATRL[Ser88Ala]ILSLLGHVIR

ClinVar aggregate classification (germline): Uncertain significance. Review status: criteria provided, multiple submitters, no conflicts (2 of 4 stars). 3 submissions from 3 submitters: Uncertain significance (3). Last evaluated 2025-06-23.

Conditions:
Hereditary cancer-predisposing syndrome. Also called: Neoplastic Syndromes, Hereditary; Tumor predisposition; Hereditary neoplastic syndrome; Hereditary Cancer Syndrome. Identifiers: Orphanet 140162, MedGen C0027672, MeSH D009386, MONDO:0015356.
Tuberous sclerosis syndrome (TSC). Also called: Tuberous sclerosis; Tuberous Sclerosis Complex. Identifiers: Orphanet 805, MedGen C0041341, MONDO:0001734.
Tuberous sclerosis 1 (TSC1). Identifiers: Orphanet 805, MedGen C1854465, MONDO:0008612, OMIM 191100.

Allele frequency attached by ClinVar (database versions not stated): gnomAD exomes below 0.00001; gnomAD 0.00001.
gnomAD v4.1: 2 of 1,614,138 alleles (0.00012%); highest among the groups gnomAD compares: Non-Finnish European, 0.00017%; no homozygotes.

Submissions (3):

Color Diagnostics, LLC DBA Color Health
Classification: Uncertain significance for Tuberous sclerosis syndrome. Last evaluated: 2025-06-23. Review status: criteria provided, single submitter. Criteria: ACMG Guidelines, 2015. Collection method: clinical testing. Allele origin: germline.
Comment: This missense variant replaces serine with alanine at codon 88 of the TSC1 protein. Computational prediction suggests that this variant may not impact protein structure and function. To our knowledge, functional studies have not been reported for this variant. This variant has not been reported in individuals affected with TSC1-related disorders in the literature. This variant has not been identified in the general population by the Genome Aggregation Database (gnomAD). The available evidence is insufficient to determine the role of this variant in disease conclusively. Therefore, this variant is classified as a Variant of Uncertain Significance.

Ambry Genetics
Classification: Uncertain significance for Hereditary cancer-predisposing syndrome. Last evaluated: 2025-05-13. Review status: criteria provided, single submitter. Criteria: Ambry Variant Classification Scheme 2023. Collection method: clinical testing. Allele origin: germline.
Comment: The p.S88A variant (also known as c.262T>G), located in coding exon 3 of the TSC1 gene, results from a T to G substitution at nucleotide position 262. The serine at codon 88 is replaced by alanine, an amino acid with similar properties. This amino acid position is not well conserved in available vertebrate species. In addition, this alteration is predicted to be tolerated by in silico analysis. Based on the available evidence, the clinical significance of this variant remains unclear.

Labcorp Genetics (formerly Invitae), Labcorp
Classification: Uncertain significance for Tuberous sclerosis 1. Last evaluated: 2022-11-15. Review status: criteria provided, single submitter. Criteria: Invitae Variant Classification Sherloc (09022015). Collection method: clinical testing. Allele origin: germline.
Comment: In summary, the available evidence is currently insufficient to determine the role of this variant in disease. Therefore, it has been classified as a Variant of Uncertain Significance. Advanced modeling of protein sequence and biophysical properties (such as structural, functional, and spatial information, amino acid conservation, physicochemical variation, residue mobility, and thermodynamic stability) performed at Invitae indicates that this missense variant is not expected to disrupt TSC1 protein function. This variant has not been reported in the literature in individuals affected with TSC1-related conditions. This variant is not present in population databases (gnomAD no frequency). This sequence change replaces serine, which is neutral and polar, with alanine, which is neutral and non-polar, at codon 88 of the TSC1 protein (p.Ser88Ala).